The following is an entry in ClinVar:

ClinVar aggregate classification (germline): Pathogenic (1 of 4 stars; one submission).

Submission:

Labcorp Genetics (formerly Invitae), Labcorp
Classification: Pathogenic. Last evaluated: 2023-07-10. Review status: criteria provided, single submitter. Criteria: Invitae Variant Classification Sherloc (09022015). Collection method: clinical testing. Allele origin: unknown.
Comment: This variant is a gross deletion of the genomic region encompassing exon(s) 7 of the TBCD gene. This deletion is out-of-frame, and is expected to create a premature termination codon and result in an absent or disrupted protein product. Loss-of-function variants in TBCD are known to be pathogenic (PMID: 27666370, 27666374). This variant has not been reported in the literature in individuals affected with TBCD-related conditions. For these reasons, this variant has been classified as Pathogenic.

Literature cited by the submitters: PubMed 27666370; PubMed 27666374.

NC_000017.10:g.(?_80739445)_(80739617_?)del

Gene: TBCD (tubulin folding cofactor D). Cytogenetic location: 17q25.3.
Variant type: Deletion.
Identifiers: ClinVar variation 3243163 (VCV003243163.1).